The following is an entry in ClinVar:

NM_016148.5(SHANK1):c.1630C>A (p.Arg544Ser)

Gene: SHANK1 (SH3 and multiple ankyrin repeat domains 1; minus strand). Cytogenetic location: 19q13.33.
Variant type: single nucleotide variant.
Coding change: c.1630C>A on transcript NM_016148.5 (MANE Select); coding-DNA position 1630, C replaced by A.
Protein change: p.Arg544Ser; replaces arginine 544 with serine.
Molecular consequence: missense variant.
Genome position (GRCh38, 1-based): chr19:50,702,584, G>T on the plus strand (C>A on the coding strand, the complement: SHANK1 is on the minus strand). VCF-style: chr19-50702584-G-T. GRCh37 (hg19) VCF-style: chr19-51205841-G-T.
Other names: short protein forms R544S.
Identifiers: ClinVar variation 2430452 (VCV002430452.1), dbSNP rs774375815, ClinGen allele CA407034291.

ClinVar aggregate classification (germline): Uncertain significance (1 of 4 stars; one submission).

Submission:

GeneDx
Classification: Uncertain significance. Last evaluated: 2022-08-22. Review status: criteria provided, single submitter. Criteria: GeneDx Variant Classification Process June 2021. Collection method: clinical testing. Allele origin: germline. Affected: yes.
Comment: Not observed at significant frequency in large population cohorts (gnomAD); In silico analysis supports that this missense variant has a deleterious effect on protein structure/function; Has not been previously published as pathogenic or benign to our knowledge